The following is an entry in ClinVar:

ClinVar aggregate classification (germline): Pathogenic (1 of 4 stars; one submission).

Conditions:
X-linked myopathy with postural muscle atrophy. Also called: FHL1-Related Emery-Dreifuss Muscular Dystrophy, X-Linked. Identifiers: Orphanet 178461, MedGen C2678055, MONDO:0010401, OMIM 300696.

Submission:

Labcorp Genetics (formerly Invitae), Labcorp
Classification: Pathogenic for X-linked myopathy with postural muscle atrophy. Last evaluated: 2025-09-28. Review status: criteria provided, single submitter. Criteria: Invitae Variant Classification Sherloc (09022015). Collection method: clinical testing. Allele origin: germline.
Comment: This sequence change creates a premature translational stop signal (p.Cys191Alafs*67) in the FHL1 gene. While this is not anticipated to result in nonsense mediated decay, it is expected to disrupt the last 90 amino acid(s) of the FHL1 protein. This variant is not present in population databases (gnomAD no frequency). This variant has not been reported in the literature in individuals affected with FHL1-related conditions. ClinVar contains an entry for this variant (Variation ID: 1457116). This variant disrupts a region of the FHL1 protein in which other variant(s) (p.Cys209Thrfs*50) have been determined to be pathogenic (internal data). This suggests that this is a clinically significant region of the protein, and that variants that disrupt it are likely to be disease-causing. For these reasons, this variant has been classified as Pathogenic.

NM_001159699.2(FHL1):c.618del (p.Cys207fs)

Gene: FHL1 (four and a half LIM domains 1; plus strand). Cytogenetic location: Xq26.3.
Variant type: Deletion.
Coding change: c.618del on transcript NM_001159699.2 (MANE Select); coding-DNA position 618, one base deleted (C; older notation c.618delC).
Protein change: p.Cys207fs; shifts the reading frame from cysteine 207.
Molecular consequence: frameshift variant. On other transcripts: non-coding transcript variant (1), intron variant (2).
Genome position (GRCh38, 1-based): chrX:136,208,523, C deleted; the last of 2 consecutive C bases (chrX:136,208,522-136,208,523); deleting either gives the same sequence. VCF-style (leftmost placement, unchanged base first): chrX-136208521-AC-A. GRCh37 (hg19) VCF-style: chrX-135290680-AC-A.
Other names: c.570del, p.Cys191fs (NM_001159700.2, NM_001159702.3, NM_001159704.1 and 8 more transcripts); c.657del, p.Cys220fs (NM_001159701.2); c.501+562del (NM_001159703.2); c.549+562del (NM_001330659.2); short protein forms C220fs, C191fs, C207fs.
Identifiers: ClinVar variation 1457116 (VCV001457116.8), dbSNP rs2148378462, ClinGen allele CA2573159249.